The following is an entry in ClinVar:

NM_000092.5(COL4A4):c.2303dup (p.Pro769fs)

Gene: COL4A4 (collagen type IV alpha 4 chain; minus strand). Cytogenetic location: 2q36.3.
Variant type: Duplication.
Coding change: c.2303dup on transcript NM_000092.5 (MANE Select); coding-DNA position 2303, one base duplicated (G; older notation c.2303dupG).
Protein change: p.Pro769fs; shifts the reading frame from proline 769.
Molecular consequence: frameshift variant.
Genome position (GRCh38, 1-based): chr2:227,059,485, C duplicated on the plus strand (G on the coding strand, the reverse complement: COL4A4 is on the minus strand); the first of 3 consecutive C bases (chr2:227,059,485-227,059,487); duplicating any one gives the same sequence. VCF-style (leftmost placement, unchanged base first): chr2-227059484-T-TC. GRCh37 (hg19) VCF-style: chr2-227924200-T-TC.
Other names: short protein forms P769fs.
Identifiers: ClinVar variation 5012280 (VCV005012280.1).
Genomic context (GRCh38, chr2:227,059,484, plus strand): 5'-CGGATCACCTCTGGGTCCTTTTATCCCTGGCACTCCTGAAAGACCCCTCTTTCCCGGGGG[T>TC]CCCAGGTGACCAAATGCAGGGTCTCCCGGGATTCCTTTCTGACCATTCACTCCTGGTGAG-3'

ClinVar aggregate classification (germline): Pathogenic (1 of 4 stars; one submission).

Conditions:
Alport syndrome. Also called: Hemorrhagic familial nephritis; Hemorrhagic hereditary nephritis; Congenital hereditary hematuria. Identifiers: Orphanet 63, MedGen C1567741, MONDO:0018965.

Submission:

Myriad Genetics, Inc.
Classification: Pathogenic for Alport syndrome. Last evaluated: 2023-09-27. Review status: criteria provided, single submitter. Criteria: Myriad Autosomal Dominant, Autosomal Recessive and X-Linked Classification Criteria (2023). Collection method: clinical testing. Allele origin: unknown.
Comment: NM_000092.4(COL4A4):c.2303dupG(P769Tfs*19) is expected to be pathogenic in the context of Alport syndrome, COL4A4-related. This variant is predicted to lead to an abnormal or absent protein product due to the creation of a premature termination codon in COL4A4, a gene where loss-of-function variants are known to be pathogenic. Please note: this variant was assessed in the context of healthy population screening.